The following is an entry in ClinVar:

ClinVar aggregate classification (germline): Uncertain significance (1 of 4 stars; one submission).

Conditions:
Gastrointestinal stromal tumor. Also called: Gastrointestinal stromal tumor, somatic; Gastrointestinal stroma tumor. Identifiers: Orphanet 44890, MedGen C0238198, MeSH D046152, MONDO:0011719, OMIM 606764, HP:0100723.
Pheochromocytoma/paraganglioma syndrome 3. Also called: GLOMUS TUMORS, FAMILIAL, 3; Paragangliomas 3; SDHC-Related Hereditary Paraganglioma-Pheochromocytoma Syndrome (Paragangliomas 3); SDHC-Related Hereditary Paraganglioma-Pheochromocytoma Syndrome. Identifiers: Orphanet 29072, MedGen C1854336, MONDO:0011544, OMIM 605373.

Allele frequency attached by ClinVar (database versions not stated): gnomAD exomes below 0.00001.

Submission:

Labcorp Genetics (formerly Invitae), Labcorp
Classification: Uncertain significance for Pheochromocytoma/paraganglioma syndrome 3; Gastrointestinal stromal tumor. Last evaluated: 2024-02-02. Review status: criteria provided, single submitter. Criteria: Invitae Variant Classification Sherloc (09022015). Collection method: clinical testing. Allele origin: germline.
Comment: This sequence change falls in intron 2 of the SDHC gene. It does not directly change the encoded amino acid sequence of the SDHC protein. This variant is not present in population databases (gnomAD no frequency). This variant has not been reported in the literature in individuals affected with SDHC-related conditions. Algorithms developed to predict the effect of sequence changes on RNA splicing suggest that this variant is not likely to affect RNA splicing. In summary, the available evidence is currently insufficient to determine the role of this variant in disease. Therefore, it has been classified as a Variant of Uncertain Significance.

NM_003001.5(SDHC):c.78-19del

Gene: SDHC (succinate dehydrogenase complex subunit C; plus strand). Cytogenetic location: 1q23.3.
Variant type: Deletion.
Coding change: c.78-19del on transcript NM_003001.5 (MANE Select); 19 bases into the intron before coding-DNA position 78, one base deleted (C; older notation c.78-19delC).
Molecular consequence: intron variant.
Genome position (GRCh38, 1-based): chr1:161,328,377, C deleted. VCF-style (leftmost placement, unchanged base first): chr1-161328376-AC-A. GRCh37 (hg19) VCF-style: chr1-161298166-AC-A.
Other names: c.-34-19del (NM_001407119.1, NM_001407120.1); c.78-19del (NM_001407115.1, NM_001035511.3); c.77+4707del (NM_001035512.3, NM_001278172.3, NM_001407118.1); c.21-19del (NM_001407116.1, NM_001407121.1, NM_001407117.1); c.21-12217del (NM_001035513.3).
Identifiers: ClinVar variation 2938605 (VCV002938605.3), dbSNP rs1329385051, ClinGen allele CA890193221.